The following is an entry in ClinVar:

NM_002878.4(RAD51D):c.345+5A>G

Genes: RAD51L3-RFFL (RAD51L3-RFFL readthrough; minus strand), RAD51D (RAD51 paralog D; minus strand). Cytogenetic location: 17q12.
Variant type: single nucleotide variant.
Coding change: c.345+5A>G on transcript NM_002878.4 (MANE Select); 5 bases into the intron after coding-DNA position 345, A replaced by G.
Molecular consequence: intron variant.
Genome position (GRCh38, 1-based): chr17:35,107,361, T>C on the plus strand (A>G on the coding strand, the complement: RAD51D is on the minus strand). VCF-style: chr17-35107361-T-C. GRCh37 (hg19) VCF-style: chr17-33434380-T-C.
Other names: c.145-880A>G (NM_133629.3); c.405+5A>G (NM_001142571.2).
Identifiers: ClinVar variation 239395 (VCV000239395.20), dbSNP rs878854562, ClinGen allele CA10583535.
Genomic context (GRCh38, chr17:35,107,361, plus strand): 5'-GACCCTGGGCTATGCATCTACCACCCTCACCCCTAAATCCTCCTGACTGCTGGCCTCACA[T>C]GTACCTGAGTTTTGCCGCTACCTGGGCCTCCTACAATTTCAGTCACTTCTCCAGTATAGA-3'

ClinVar aggregate classification (germline): Conflicting classifications of pathogenicity. Review status: criteria provided, conflicting classifications (1 of 4 stars). 7 submissions from 7 submitters: Uncertain significance (3); Likely benign (4). Last evaluated 2025-11-24.

Conditions:
Familial ovarian cancer. Identifiers: MedGen C5679802, MONDO:0016248.
Hereditary cancer-predisposing syndrome. Also called: Neoplastic Syndromes, Hereditary; Hereditary neoplastic syndrome; Tumor predisposition; Hereditary Cancer Syndrome. Identifiers: Orphanet 140162, MedGen C0027672, MeSH D009386, MONDO:0015356.
Breast-ovarian cancer, familial, susceptibility to, 4. Identifiers: Orphanet 145, MedGen C3280345, MONDO:0013669, OMIM 614291.

Allele frequency attached by ClinVar (database versions not stated): gnomAD exomes below 0.00001; gnomAD 0.00001; TOPMed 0.00001.
gnomAD v4.1: 4 of 1,541,836 alleles (0.00026%); highest among the groups gnomAD compares: Admixed American, 0.0033%; no homozygotes.

Submissions (7):

Color Diagnostics, LLC DBA Color Health
Classification: Likely benign for Hereditary cancer-predisposing syndrome. Last evaluated: 2025-11-24. Review status: criteria provided, single submitter. Criteria: ACMG Guidelines, 2015. Collection method: clinical testing. Allele origin: germline.

Ambry Genetics
Classification: Uncertain significance for Hereditary cancer-predisposing syndrome. Last evaluated: 2025-09-30. Review status: criteria provided, single submitter. Criteria: Ambry Variant Classification Scheme 2023. Collection method: clinical testing. Allele origin: germline.
Comment: The c.345+5A>G intronic variant results from an A to G substitution 5 nucleotides after coding exon 4 in the RAD51D gene. This nucleotide position is not well conserved on limited sequence alignment. In silico splice site analysis predicts that this alteration will not have any significant effect on splicing; however, direct evidence is insufficient at this time (Ambry internal data). Based on the available evidence, the clinical significance of this variant remains unclear.

Labcorp Genetics (formerly Invitae), Labcorp
Classification: Likely benign for Breast-ovarian cancer, familial, susceptibility to, 4. Last evaluated: 2025-08-13. Review status: criteria provided, single submitter. Criteria: Invitae Variant Classification Sherloc (09022015). Collection method: clinical testing. Allele origin: germline.

Myriad Genetics, Inc.
Classification: Likely benign for Breast-ovarian cancer, familial, susceptibility to, 4. Last evaluated: 2025-02-21. Review status: criteria provided, single submitter. Criteria: Myriad Autosomal Dominant, Autosomal Recessive and X-Linked Classification Criteria (2023). Collection method: clinical testing. Allele origin: unknown.
Comment: This variant is considered likely benign. This variant is intronic and is not expected to impact mRNA splicing.

Molecular Pathology, Peter Maccallum Cancer Centre
Classification: Uncertain significance for Familial ovarian cancer. Last evaluated: 2024-09-09. Review status: criteria provided, single submitter. Criteria: ACMG Guidelines, 2015. Collection method: clinical testing. Allele origin: germline. Inheritance: Autosomal dominant inheritance.

GeneDx
Classification: Likely benign. Last evaluated: 2019-02-19. Review status: criteria provided, single submitter. Criteria: GeneDx Variant Classification Process June 2021. Collection method: clinical testing. Allele origin: germline. Affected: yes.

Quest Diagnostics Nichols Institute San Juan Capistrano
Classification: Uncertain significance. Last evaluated: 2017-03-04. Review status: criteria provided, single submitter. Criteria: Quest Diagnostics criteria. Collection method: clinical testing. Allele origin: germline.